The following is an entry in ClinVar:

NM_001267550.2(TTN):c.22417G>A (p.Val7473Met)

Gene: TTN (titin; minus strand). Cytogenetic location: 2q31.2.
Variant type: single nucleotide variant.
Coding change: c.22417G>A on transcript NM_001267550.2 (MANE Select); coding-DNA position 22417, G replaced by A.
Protein change: p.Val7473Met; replaces valine 7473 with methionine.
Molecular consequence: missense variant. On other transcripts: intron variant (3).
Genome position (GRCh38, 1-based): chr2:178,722,370, C>T on the plus strand (G>A on the coding strand, the complement: TTN is on the minus strand). VCF-style: chr2-178722370-C-T. GRCh37 (hg19) VCF-style: chr2-179587097-C-T.
Other names: c.21466G>A, p.Val7156Met (NM_001256850.1); c.18685G>A, p.Val6229Met (NM_133378.4); c.13282+15712G>A (NM_003319.4); c.13858+15712G>A (NM_133437.4); c.13657+15712G>A (NM_133432.3); short protein forms V6229M, V7156M, V7473M.
Identifiers: ClinVar variation 2438135 (VCV002438135.4), dbSNP rs775242103, ClinGen allele CA2000841.

ClinVar aggregate classification (germline): Conflicting classifications of pathogenicity. Review status: criteria provided, conflicting classifications (1 of 4 stars). 2 submissions from 2 submitters: Uncertain significance (1); Likely benign (1). Last evaluated 2025-04-09.

Allele frequency attached by ClinVar (database versions not stated): ExAC 0.00001; gnomAD 0.00001; TOPMed 0.00001.
gnomAD v4.1: 9 of 1,613,260 alleles (0.00056%); highest among the groups gnomAD compares: Non-Finnish European, 0.00076%; no homozygotes.

Submissions (2):

Molecular Diagnostic Laboratory for Inherited Cardiovascular Disease, Montreal Heart Institute
Classification: Likely benign. Last evaluated: 2025-04-09. Review status: criteria provided, single submitter. Criteria: ACMG Guidelines, 2015. Collection method: clinical testing. Allele origin: germline. Affected: no.
Comment: BP1

Revvity Omics, Revvity
Classification: Uncertain significance. Last evaluated: 2019-12-16. Review status: criteria provided, single submitter. Criteria: ACMG Guidelines, 2015. Collection method: clinical testing. Allele origin: germline.